The following is an entry in ClinVar:

NM_001165963.4(SCN1A):c.5348C>T (p.Ala1783Val)

Genes: SCN1A (sodium voltage-gated channel alpha subunit 1; minus strand), LOC102724058 (uncharacterized LOC102724058; plus strand). Cytogenetic location: 2q24.3.
Variant type: single nucleotide variant.
Coding change: c.5348C>T on transcript NM_001165963.4 (MANE Select); coding-DNA position 5348, C replaced by T.
Protein change: p.Ala1783Val; replaces alanine 1783 with valine.
Molecular consequence: missense variant. On other transcripts: non-coding transcript variant (1).
Genome position (GRCh38, 1-based): chr2:165,991,927, G>A on the plus strand (C>T on the coding strand, the complement: SCN1A is on the minus strand). VCF-style: chr2-165991927-G-A. GRCh37 (hg19) VCF-style: chr2-166848437-G-A.
Other names: p.A1783V:GCG>GTG; c.5264C>T, p.Ala1755Val (NM_001165964.3, NM_001353957.2, NM_001353958.2); c.5348C>T, p.Ala1783Val (NM_001202435.3, NM_001353948.2); c.5315C>T, p.Ala1772Val (NM_001353949.2, NM_001353950.2, NM_001353951.2 and 2 more transcripts); c.5312C>T, p.Ala1771Val (NM_001353954.2, NM_001353955.2); c.5261C>T, p.Ala1754Val (NM_001353960.2); c.2906C>T, p.Ala969Val (NM_001353961.2); short protein forms A1772V, A1783V, A969V, A1754V, A1771V, A1755V.
Identifiers: ClinVar variation 68571 (VCV000068571.21), dbSNP rs121917921, ClinGen allele CA285024.

ClinVar aggregate classification (germline): Pathogenic. Review status: criteria provided, multiple submitters, no conflicts (2 of 4 stars). 8 submissions from 8 submitters: Pathogenic (7). 1 of the submissions does not count toward it. Last evaluated 2026-08-06.

Conditions:
Early-infantile DEE. Also called: Ohtahara syndrome; Early infantile epileptic encephalopathy with suppression bursts; Early infantile epileptic encephalopathy. Identifiers: Orphanet 1934, MedGen C0393706, MONDO:0800491.
Developmental and epileptic encephalopathy 6B. Also called: Developmental and epileptic encephalopathy 6B, non-Dravet. Identifiers: MedGen C5543353, MONDO:0030268, OMIM 619317.
Severe myoclonic epilepsy in infancy (DRVT). Also called: DEVELOPMENTAL AND EPILEPTIC ENCEPHALOPATHY 6A; Severe Myoclonic Epilepsy in Infancy (SMEI); Epileptic encephalopathy, early infantile, 6 (Dravet syndrome); SEVERE MYOCLONIC EPILEPSY OF INFANCY; Dravet syndrome. Identifiers: Orphanet 33069, MedGen C0751122, MONDO:0100135, OMIM 607208.

Submissions (8):

OLLIN Analises Genomicas, OLLIN
Classification: Pathogenic for Developmental and epileptic encephalopathy 6B. Last evaluated: 2026-08-06. Review status: criteria provided, single submitter. Criteria: ACMG Guidelines 2015 PMID 25741868. Collection method: clinical testing. Allele origin: de novo. Inheritance: Autosomal dominant inheritance.
Comment: This missense variant, located in exon 29 (of 29), is absent from gnomAD but has been reported in ClinVar (accession VCV000068571.19) and in the scientific literature, also being identified de novo, in individuals with SCN1A related disorders (PMID: 26096185, 34776868, 17561957, 18930999, 29460957). Functional studies suggest that this variant may affect protein function, and in silico analysis predicts a deleterious effect (PMID: 34776868). This variant is located in a region considered to be a mutational hotspot. Another pathogenic variant affecting the same amino acid residue has been reported. According to the currently available evidence, this variant has been classified as pathogenic (PS2_P, PS3, PS4_M, PM2_P, PM1, PM5, PP3_M).

CeGaT Center for Human Genetics Tuebingen
Classification: Pathogenic. Last evaluated: 2026-02-01. Review status: criteria provided, single submitter. Criteria: CeGaT Center For Human Genetics Tuebingen Variant Classification Criteria Version 2. Collection method: clinical testing. Allele origin: germline. Affected: yes. Observed: 1 variant allele.
Comment: SCN1A: PM2, PM5, PM6, PS4:Moderate, PP2, PP3

Labcorp Genetics (formerly Invitae), Labcorp
Classification: Pathogenic for Early-infantile DEE. Last evaluated: 2025-08-06. Review status: criteria provided, single submitter. Criteria: Invitae Variant Classification Sherloc (09022015). Collection method: clinical testing. Allele origin: germline.
Comment: This sequence change replaces alanine, which is neutral and non-polar, with valine, which is neutral and non-polar, at codon 1783 of the SCN1A protein (p.Ala1783Val). This variant is not present in population databases (gnomAD no frequency). This missense change has been observed in individual(s) with Dravet syndrome (PMID: 17561957, 18930999, 29460957). In at least one individual the variant was observed to be de novo. ClinVar contains an entry for this variant (Variation ID: 68571). Invitae Evidence Modeling of protein sequence and biophysical properties (such as structural, functional, and spatial information, amino acid conservation, physicochemical variation, residue mobility, and thermodynamic stability) indicates that this missense variant is expected to disrupt SCN1A protein function with a positive predictive value of 95%. For these reasons, this variant has been classified as Pathogenic.

GeneDx
Classification: Pathogenic. Last evaluated: 2024-02-20. Review status: criteria provided, single submitter. Criteria: GeneDx Variant Classification Process June 2021. Collection method: clinical testing. Allele origin: germline. Affected: yes.
Comment: A different missense change at this residue (p.A1755T) has been reported in the published literature and at GeneDx in association with SCN1A-related epilepsy (PMID: 20431604, 17347258); Published functional studies demonstrate that this variant significantly affects activation and slow inactivation properties of SCN1A NaV1.1 channels (PMID: 34776868); This substitution is predicted to be within the transmembrane segment S6 of the fourth homologous domain; Not observed at significant frequency in large population cohorts (gnomAD); This variant is associated with the following publications: (PMID: 21703448, 29056246, 30368457, 32090326, 29573403, 33902251, 35074891, 30552426, 17561957, 34776868, 29460957, 20431604, 17347258)

Institute for Clinical Genetics, University Hospital TU Dresden, University Hospital TU Dresden
Classification: Pathogenic. Last evaluated: 2023-06-26. Review status: criteria provided, single submitter. Criteria: ACMG Guidelines, 2015. Collection method: clinical testing. Allele origin: germline.
Comment: PM1, PP3, PM5, PP2, PS4, PM2_SUP

Eurofins Ntd Llc (ga)
Classification: Pathogenic. Last evaluated: 2016-06-02. Review status: criteria provided, single submitter. Criteria: EGL Classification Definitions 2015. Collection method: clinical testing. Allele origin: germline. Observed: 1 variant allele, 1 heterozygote.

Center for Bioinformatics, Peking University
Classification: Pathogenic for Dravet syndrome. Last evaluated: 2014-12-20. Review status: criteria provided, single submitter. Criteria: Xu et al. (Hum Mutat. 2015). Collection method: research. Allele origin: de novo. Affected: yes. Observed: 1 variant allele. Study: University Clinical Cooperation “985 Project” PKU-2014-1-1.
Comment: Dravet syndrome (DS) probands were recruited from the outpatient and inpatient child neurology units of Peking University First Hospital from 2005 till present. The study was approved by the Ethics Committee of Peking University First Hospital and the Institutional Review Board at Peking University. Participants or their parents provided written informed consent before enrollment. We collected a total of 267 mutations from 255 families with probands diagnosed with DS in China. All probands fulfilled the clinical diagnostic criteria.

UniProtKB/Swiss-Prot
No classification provided. Condition: Severe myoclonic epilepsy in infancy. Review status: no classification provided. Collection method: not provided. Allele origin: unknown. Not counted in ClinVar's aggregate classification.

Literature cited by the submitters: PubMed 26096185 (cited by OLLIN Analises Genomicas, OLLIN); PubMed 34776868 (cited by OLLIN Analises Genomicas, OLLIN); PubMed 17561957 (cited by OLLIN Analises Genomicas, OLLIN and Labcorp Genetics (formerly Invitae), Labcorp); PubMed 18930999 (cited by 3 submitters); PubMed 29460957 (cited by OLLIN Analises Genomicas, OLLIN and Labcorp Genetics (formerly Invitae), Labcorp).